The following continues an entry in ClinVar:

NM_001276345.2(TNNT2):c.305G>A (p.Arg102Gln)

Gene: TNNT2. ClinVar aggregate classification (germline): Pathogenic/Likely pathogenic. Pathogenic (8); Likely pathogenic (4).

Submissions 10 to 15 of 15:

Laboratory for Molecular Medicine, Mass General Brigham Personalized Medicine
Classification: Pathogenic for Hypertrophic cardiomyopathy. Last evaluated: 2018-07-10. Review status: criteria provided, single submitter. Criteria: LMM Criteria. Collection method: clinical testing. Allele origin: germline. Inheritance: Autosomal dominant inheritance. Observed: 8 variant alleles.
Comment: The p.Arg92Gln variant in TNNT2 has been reported in >15 individuals with HCM, i ncluding one de novo occurrence, and segregated with disease in >15 affected rel atives (Thierfelder 1994, Watkins 1995, Morita 2008, Olivotto 2008, Strijack 200 8, Ripoll-Vera 2016, Walsh, 2017, LMM data). In addition, this was absent from l arge population studies. In vitro functional studies have shown that the Arg92Gl n variant impacts protein function (Marian 1997, Yanaga 1999, Robinson 2002, Liu 2012) and transgenic mice carrying this variant develop HCM (Chandar 2001, Ferr antini 2017). In summary, this variant meets criteria to be classified as pathog enic for HCM in an autosomal dominant manner based on case observations, segrega tion studies, absence from controls, and functional evidence. ACMG/AMP Criteria applied: PS3, PS4, PP1_Strong, PM2.

Center for Medical Genetics Ghent, University of Ghent
Classification: Likely pathogenic for Hypertrophic cardiomyopathy 2. Last evaluated: 2016-03-08. Review status: criteria provided, single submitter. Criteria: ACMG Guidelines, 2015. Collection method: clinical testing. Allele origin: germline. Affected: yes.
Comment: This variant has not been identified in large population databases (Gnomad, 1000 Genomes, Go NL, Exome Variant Server) and is predicted to have an impact on protein function according to multiple prediction programs. In addition, the variant has been reported previously in individuals with HCM. Studies have shown that the variant impacts protein function (PMID:8205619).

Stanford Center for Inherited Cardiovascular Disease, Stanford University
Classification: Pathogenic. Last evaluated: 2012-01-16. Review status: criteria provided, single submitter. Criteria: ACMG Guidelines, 2015. Collection method: provider interpretation. Allele origin: germline.

OMIM
Classification: Pathogenic for CARDIOMYOPATHY, FAMILIAL HYPERTROPHIC, 2. Last evaluated: 1994-06-03. Review status: no assertion criteria provided. Collection method: literature only. Allele origin: germline. Not counted in ClinVar's aggregate classification.

Clinical Genetics, Academic Medical Center
Classification: Pathogenic. Review status: no assertion criteria provided. Collection method: clinical testing. Allele origin: germline. Affected: yes. Study: VKGL Data-share Consensus. Not counted in ClinVar's aggregate classification.

Joint Genome Diagnostic Labs from Nijmegen and Maastricht, Radboudumc and MUMC+
Classification: Pathogenic. Review status: no assertion criteria provided. Collection method: clinical testing. Allele origin: germline. Affected: yes. Study: VKGL Data-share Consensus. Not counted in ClinVar's aggregate classification.

Literature cited by the submitters: PubMed 7898523 (cited by 4 submitters); PubMed 8205619 (cited by 6 submitters); PubMed 8951566 (cited by Labcorp Genetics (formerly Invitae), Labcorp); PubMed 18403758 (cited by 4 submitters); PubMed 19087273 (cited by 4 submitters); PubMed 19487599 (cited by Labcorp Genetics (formerly Invitae), Labcorp and Laboratory for Molecular Medicine, Mass General Brigham Personalized Medicine); PubMed 23233322 (cited by Labcorp Genetics (formerly Invitae), Labcorp and Dasa); PubMed 24691700 (cited by 3 submitters); PubMed 25524337 (cited by Labcorp Genetics (formerly Invitae), Labcorp); PubMed 9788962 (cited by 3 submitters); PubMed 10085122 (cited by 4 submitters); PubMed 10449439 (cited by 3 submitters); PubMed 11158969 (cited by 3 submitters); PubMed 12186860 (cited by 3 submitters); PubMed 9060892 (cited by Labcorp Genetics (formerly Invitae), Labcorp); PubMed 16326803 (cited by Labcorp Genetics (formerly Invitae), Labcorp); PubMed 22144547 (cited by Labcorp Genetics (formerly Invitae), Labcorp); PubMed 33025817 (cited by Victorian Clinical Genetics Services, Murdoch Childrens Research Institute); PubMed 26507537 (cited by 3 submitters); PubMed 32098556 (cited by Victorian Clinical Genetics Services, Murdoch Childrens Research Institute); PubMed 18612386 (cited by Victorian Clinical Genetics Services, Murdoch Childrens Research Institute); PubMed 11606294 (cited by Ambry Genetics and Laboratory for Molecular Medicine, Mass General Brigham Personalized Medicine); PubMed 14636924 (cited by Ambry Genetics); PubMed 17932326 (cited by Ambry Genetics); PubMed 22675533 (cited by Ambry Genetics and Laboratory for Molecular Medicine, Mass General Brigham Personalized Medicine); PubMed 25351510 (cited by Ambry Genetics); PubMed 18533079 (cited by Laboratory for Molecular Medicine, Mass General Brigham Personalized Medicine); PubMed 9201030 (cited by Laboratory for Molecular Medicine, Mass General Brigham Personalized Medicine); PubMed 19150014 (cited by Laboratory for Molecular Medicine, Mass General Brigham Personalized Medicine); PubMed 28735292 (cited by Laboratory for Molecular Medicine, Mass General Brigham Personalized Medicine); PubMed 27532257 (cited by Laboratory for Molecular Medicine, Mass General Brigham Personalized Medicine).